The following is an entry in ClinVar:

NM_001382430.1(AKT1):c.161A>G (p.Asn54Ser)

Gene: AKT1 (AKT serine/threonine kinase 1; minus strand). Cytogenetic location: 14q32.33.
Variant type: single nucleotide variant.
Coding change: c.161A>G on transcript NM_001382430.1 (MANE Select); coding-DNA position 161, A replaced by G.
Protein change: p.Asn54Ser; replaces asparagine 54 with serine.
Molecular consequence: missense variant.
Genome position (GRCh38, 1-based): chr14:104,780,102, T>C on the plus strand (A>G on the coding strand, the complement: AKT1 is on the minus strand). VCF-style: chr14-104780102-T-C. GRCh37 (hg19) VCF-style: chr14-105246439-T-C.
Other names: c.161A>G, p.Asn54Ser (NM_001014431.2, NM_001014432.2, NM_001382431.1 and 3 more transcripts); short protein forms N54S.
Identifiers: ClinVar variation 5034375 (VCV005034375.1).

ClinVar aggregate classification (germline): Uncertain significance (1 of 4 stars; one submission).

Conditions:
Inborn genetic diseases. Identifiers: MedGen C0950123, MeSH D030342.

Submission:

Ambry Genetics
Classification: Uncertain significance for Inborn genetic diseases. Last evaluated: 2026-07-11. Review status: criteria provided, single submitter. Criteria: Ambry Variant Classification Scheme 2023. Collection method: clinical testing. Allele origin: germline.
Comment: The p.N54S variant (also known as c.161A>G), located in coding exon 2 of the AKT1 gene, results from an A to G substitution at nucleotide position 161. The asparagine at codon 54 is replaced by serine, an amino acid with highly similar properties. This amino acid position is conserved. In addition, this alteration is predicted to be tolerated by in silico analysis. Based on the available evidence, the clinical significance of this variant remains unclear.